The following is an entry in ClinVar:

ClinVar aggregate classification (germline): Uncertain significance (1 of 4 stars; one submission).

Conditions:
Propionic acidemia (PROP). Also called: GLYCINEMIA, KETOTIC; HYPERGLYCINEMIA WITH KETOACIDOSIS AND LEUKOPENIA; KETOTIC HYPERGLYCINEMIA. Identifiers: Orphanet 35, MedGen C0268579, MONDO:0011628, OMIM 606054, HP:0003571.

Allele frequency attached by ClinVar (database versions not stated): gnomAD exomes below 0.00001; ExAC 0.00001.
gnomAD v4.1: 2 of 1,613,988 alleles (0.00012%); highest among the groups gnomAD compares: South Asian, 0.0022%; no homozygotes.

Submission:

Labcorp Genetics (formerly Invitae), Labcorp
Classification: Uncertain significance for Propionic acidemia. Last evaluated: 2022-06-27. Review status: criteria provided, single submitter. Criteria: Invitae Variant Classification Sherloc (09022015). Collection method: clinical testing. Allele origin: germline.
Comment: This variant is present in population databases (rs753833864, gnomAD 0.003%). This sequence change replaces isoleucine, which is neutral and non-polar, with valine, which is neutral and non-polar, at codon 341 of the PCCB protein (p.Ile341Val). This variant has not been reported in the literature in individuals affected with PCCB-related conditions. In summary, the available evidence is currently insufficient to determine the role of this variant in disease. Therefore, it has been classified as a Variant of Uncertain Significance. Advanced modeling of protein sequence and biophysical properties (such as structural, functional, and spatial information, amino acid conservation, physicochemical variation, residue mobility, and thermodynamic stability) performed at Invitae indicates that this missense variant is not expected to disrupt PCCB protein function.

NM_000532.5(PCCB):c.1021A>G (p.Ile341Val)

Gene: PCCB (propionyl-CoA carboxylase subunit beta; plus strand). Cytogenetic location: 3q22.3.
Variant type: single nucleotide variant.
Coding change: c.1021A>G on transcript NM_000532.5 (MANE Select); coding-DNA position 1021, A replaced by G.
Protein change: p.Ile341Val; replaces isoleucine 341 with valine.
Molecular consequence: missense variant.
Genome position (GRCh38, 1-based): chr3:136,316,995, A>G. VCF-style: chr3-136316995-A-G. GRCh37 (hg19) VCF-style: chr3-136035837-A-G.
Other names: c.1081A>G, p.Ile361Val (NM_001178014.2); short protein forms I341V, I361V.
Identifiers: ClinVar variation 2054439 (VCV002054439.4), dbSNP rs753833864, ClinGen allele CA2631987.
Genomic context (GRCh38, chr3:136,316,995, plus strand): 5'-CTGCAGGTTGTTGATGAGCGTGAATTTTTTGAGATCATGCCCAATTATGCCAAGAACATC[A>G]TTGTTGGTTTTGCAAGAATGAATGGGAGGACTGTTGGAATTGTTGGCAACCAACCTAAGG-3'
Protein context (NP_000523.2, residues 331-351): EIMPNYAKNI[Ile341Val]VGFARMNGRT